The following is an entry in ClinVar:

NM_004477.3(FRG1):c.627T>C (p.Tyr209=)

Gene: FRG1 (FSHD region gene 1; plus strand). Cytogenetic location: 4q35.2.
Variant type: single nucleotide variant.
Coding change: c.627T>C on transcript NM_004477.3 (MANE Select); coding-DNA position 627, T replaced by C.
Protein change: p.Tyr209=; no amino-acid change (tyrosine 209 retained).
Molecular consequence: synonymous variant.
Genome position (GRCh38, 1-based): chr4:189,960,837, T>C. VCF-style: chr4-189960837-T-C. GRCh37 (hg19) VCF-style: chr4-190881992-T-C.
Identifiers: ClinVar variation 3060231 (VCV003060231.2), dbSNP rs75112782, ClinGen allele CA112728160.

ClinVar aggregate classification (germline): Likely benign (0 of 4 stars; one submission).

Conditions:
FRG1-related disorder. Also called: FRG1-related condition.

Allele frequency attached by ClinVar (database versions not stated): TOPMed 0.00001.
gnomAD v4.1: 2 of 1,604,802 alleles (0.00012%); highest among the groups gnomAD compares: Admixed American, 0.0034%; no homozygotes.

Submission:

PreventionGenetics, part of Exact Sciences
Classification: Likely benign for FRG1-related condition. Last evaluated: 2023-02-16. Review status: no assertion criteria provided. Collection method: clinical testing. Allele origin: germline.
Comment: This variant is classified as likely benign based on ACMG/AMP sequence variant interpretation guidelines (Richards et al. 2015 PMID: 25741868, with internal and published modifications).